The following is an entry in ClinVar:

NM_005359.6(SMAD4):c.710T>C (p.Leu237Pro)

Gene: SMAD4 (SMAD family member 4; plus strand). Cytogenetic location: 18q21.2.
Variant type: single nucleotide variant.
Coding change: c.710T>C on transcript NM_005359.6 (MANE Select); coding-DNA position 710, T replaced by C.
Protein change: p.Leu237Pro; replaces leucine 237 with proline.
Molecular consequence: missense variant. On other transcripts: non-coding transcript variant (2).
Genome position (GRCh38, 1-based): chr18:51,058,167, T>C. VCF-style: chr18-51058167-T-C. GRCh37 (hg19) VCF-style: chr18-48584537-T-C.
Other names: c.710T>C, p.Leu237Pro (NM_001407041.1, NM_001407042.1, NM_001407043.1); short protein forms L237P.
Identifiers: ClinVar variation 2452520 (VCV002452520.5), dbSNP rs2144426984, ClinGen allele CA402462762.
Genomic context (GRCh38, chr18:51,058,167, plus strand): 5'-GTCTTCTTGTTCCTCTAGGTCAGCCTGCCAGTATACTGGGGGGCAGCCATAGTGAAGGAC[T>C]GTTGCAGATAGCATCAGGGCCTCAGCCAGGACAGCAGCAGAATGGATTTACTGGTCAGCC-3'
Protein context (NP_005350.1, residues 227-247): SILGGSHSEG[Leu237Pro]LQIASGPQPG

ClinVar aggregate classification (germline): Uncertain significance. Review status: criteria provided, multiple submitters, no conflicts (2 of 4 stars). 2 submissions from 2 submitters: Uncertain significance (2). Last evaluated 2023-06-21.

Conditions:
Juvenile polyposis syndrome (JPS). Identifiers: Orphanet 2929, MedGen C0345893, MONDO:0017380, OMIM 174900.
Familial thoracic aortic aneurysm and aortic dissection (TAAD). Also called: Thoracic aortic aneurysms and dissections. Identifiers: Orphanet 91387, MedGen C4707243, MONDO:0019625.
Hereditary cancer-predisposing syndrome. Also called: Hereditary neoplastic syndrome; Tumor predisposition; Neoplastic Syndromes, Hereditary; Hereditary Cancer Syndrome. Identifiers: Orphanet 140162, MedGen C0027672, MeSH D009386, MONDO:0015356.

Allele frequency attached by ClinVar (database versions not stated): gnomAD exomes below 0.00001.
gnomAD v4.1: 1 of 1,614,222 alleles (0.000062%); highest among the groups gnomAD compares: Non-Finnish European, 0.000085%; no homozygotes.

Submissions (2):

Labcorp Genetics (formerly Invitae), Labcorp
Classification: Uncertain significance for Juvenile polyposis syndrome. Last evaluated: 2023-06-21. Review status: criteria provided, single submitter. Criteria: Invitae Variant Classification Sherloc (09022015). Collection method: clinical testing. Allele origin: germline.
Comment: This sequence change replaces leucine, which is neutral and non-polar, with proline, which is neutral and non-polar, at codon 237 of the SMAD4 protein (p.Leu237Pro). This variant is not present in population databases (gnomAD no frequency). This variant has not been reported in the literature in individuals affected with SMAD4-related conditions. ClinVar contains an entry for this variant (Variation ID: 2452520). Advanced modeling of protein sequence and biophysical properties (such as structural, functional, and spatial information, amino acid conservation, physicochemical variation, residue mobility, and thermodynamic stability) performed at Invitae indicates that this missense variant is not expected to disrupt SMAD4 protein function. In summary, the available evidence is currently insufficient to determine the role of this variant in disease. Therefore, it has been classified as a Variant of Uncertain Significance.

Ambry Genetics
Classification: Uncertain significance for Hereditary cancer-predisposing syndrome; Familial thoracic aortic aneurysm and aortic dissection. Last evaluated: 2023-02-06. Review status: criteria provided, single submitter. Criteria: Ambry Variant Classification Scheme 2023. Collection method: clinical testing. Allele origin: germline.
Comment: The p.L237P variant (also known as c.710T>C), located in coding exon 5 of the SMAD4 gene, results from a T to C substitution at nucleotide position 710. The leucine at codon 237 is replaced by proline, an amino acid with similar properties. This amino acid position is conserved. In addition, this alteration is predicted to be deleterious by in silico analysis. Since supporting evidence is limited at this time, the clinical significance of this alteration remains unclear.